The following is an entry in ClinVar:

NM_000441.2(SLC26A4):c.1529T>A (p.Val510Asp)

Gene: SLC26A4 (solute carrier family 26 member 4; plus strand). Cytogenetic location: 7q22.3.
Variant type: single nucleotide variant.
Coding change: c.1529T>A on transcript NM_000441.2 (MANE Select); coding-DNA position 1529, T replaced by A.
Protein change: p.Val510Asp; replaces valine 510 with aspartic acid.
Molecular consequence: missense variant.
Genome position (GRCh38, 1-based): chr7:107,696,024, T>A. VCF-style: chr7-107696024-T-A. GRCh37 (hg19) VCF-style: chr7-107336469-T-A.
Other names: short protein forms V510D.
Identifiers: ClinVar variation 557512 (VCV000557512.3), dbSNP rs1554359973, ClinGen allele CA368841359.
Genomic context (GRCh38, chr7:107,696,024, plus strand): 5'-TCATTCTGGGGCTGGATCTCGGTTTACTAGCTGGCCTTATATTTGGACTGTTGACTGTGG[T>A]CCTGAGAGTTCAGTTGTGAGTAACGTAAAACCCAGATTTCCTATAAACAGAACAACACAC-3'
Protein context (NP_000432.1, residues 500-520): AGLIFGLLTV[Val510Asp]LRVQFPSWNG

ClinVar aggregate classification (germline): Likely pathogenic. Review status: criteria provided, single submitter (1 of 4 stars). 2 submissions from 2 submitters: Likely pathogenic (1). 1 of the submissions does not count toward it. Last evaluated 2024-12-27.

Conditions:
Pendred syndrome (PDS). Also called: DEAFNESS WITH GOITER; Pendred's syndrome; GOITER-DEAFNESS SYNDROME; HYPOTHYROIDISM, CONGENITAL, DUE TO DYSHORMONOGENESIS, 2B; THYROID DYSHORMONOGENESIS 2B; THYROID HORMONOGENESIS, GENETIC DEFECT IN, 2B. Identifiers: Orphanet 705, MedGen C0271829, MONDO:0010134, OMIM 274600.

Submissions (2):

Natera, Inc.
Classification: Likely pathogenic for Pendred syndrome. Last evaluated: 2024-12-27. Review status: criteria provided, single submitter. Criteria: Natera Variant Classification Schema (03/2026). Collection method: clinical testing. Allele origin: germline.
Comment: The c.1529T>A variant in SLC26A4 is a missense variant predicted to cause substitution of valine to aspartic acid at amino acid 510. This variant is rare in the general population with a frequency below the threshold expected for the associated phenotype(s). This variant has been observed in one or more individuals affected with the associated recessive disease, as either homozygous or compound heterozygous with a second variant (PMID: 25358692). Functional studies show that this variant may disrupt protein function (PMID: 25358692). Computational prediction algorithms indicate this variant is likely to affect gene or protein function. Given the available evidence, this variant is classified as Likely Pathogenic.

Counsyl
Classification: Uncertain significance for Pendred syndrome. Last evaluated: 2018-03-28. Review status: no assertion criteria provided. Collection method: clinical testing. Allele origin: unknown. Not counted in ClinVar's aggregate classification.

Literature cited by the submitters: PubMed 25358692 (cited by Natera, Inc. and Counsyl); PubMed 25488846 (cited by Counsyl).